The following is an entry in ClinVar:

NM_015662.3(IFT172):c.2787+6G>A

Genes: IFT172 (intraflagellar transport 172; minus strand), LOC126806174 (CDK7 strongly-dependent group 2 enhancer GRCh37_chr2:27681686-27682885; plus strand). Cytogenetic location: 2p23.3.
Variant type: single nucleotide variant.
Coding change: c.2787+6G>A on transcript NM_015662.3 (MANE Select); 6 bases into the intron after coding-DNA position 2787, G replaced by A.
Molecular consequence: intron variant.
Genome position (GRCh38, 1-based): chr2:27,459,372, C>T on the plus strand (G>A on the coding strand, the complement: IFT172 is on the minus strand). VCF-style: chr2-27459372-C-T. GRCh37 (hg19) VCF-style: chr2-27682239-C-T.
Identifiers: ClinVar variation 389686 (VCV000389686.20), dbSNP rs75805075, ClinGen allele CA1580195.
Genomic context (GRCh38, chr2:27,459,372, plus strand): 5'-TTTGGGTTCTCTCATTGTTATCCTCTACTGCATTGCCTCGTGCTGCGGAAAGGGACTCTT[C>T]CTCACCTCATACTCCTGCAGGGATGCATAGTGTTGGGCCACGAGAGGATAGTATTTGGAT-3'

ClinVar aggregate classification (germline): Likely benign. Review status: criteria provided, multiple submitters, no conflicts (2 of 4 stars). 5 submissions from 5 submitters: Likely benign (4). 1 of the submissions does not count toward it. Last evaluated 2026-01-07.

Conditions:
Bardet-Biedl syndrome 20. Identifiers: MedGen C4310707, MONDO:0023670, OMIM 619471, MONDO:0014926.
Retinitis pigmentosa 71 (RP71). Identifiers: Orphanet 791, MedGen C4225342, MONDO:0014618, OMIM 616394.
Short-rib thoracic dysplasia 10 with or without polydactyly (SRTD10). Identifiers: Orphanet 474, MedGen C3810175, MONDO:0014284, OMIM 615630.
IFT172-related disorder. Also called: IFT172-related disorders; IFT172-related condition.

Allele frequency attached by ClinVar (database versions not stated): gnomAD exomes 0.00007 and 0.00022; ExAC 0.00028; ESP Exome Variant Server 0.00077; TOPMed 0.00078; gnomAD 0.00079 and 0.00086; 1000 Genomes Project 0.00120; 1000 Genomes Project 30x 0.00141.
gnomAD v4.1: 233 of 1,613,924 alleles (0.014%); highest among the groups gnomAD compares: African/African-American, 0.28%; no homozygotes.

Submissions (5):

Labcorp Genetics (formerly Invitae), Labcorp
Classification: Likely benign for Retinitis pigmentosa 71; Short-rib thoracic dysplasia 10 with or without polydactyly. Last evaluated: 2026-01-07. Review status: criteria provided, single submitter. Criteria: Invitae Variant Classification Sherloc (09022015). Collection method: clinical testing. Allele origin: germline.

Blueprint Genetics
Classification: Likely benign. Last evaluated: 2024-11-11. Review status: criteria provided, single submitter. Criteria: ACMG Guidelines, 2015. Collection method: clinical testing. Allele origin: germline.

Fulgent Genetics
Classification: Likely benign for Short-rib thoracic dysplasia 10 with or without polydactyly; Retinitis pigmentosa 71; Bardet-Biedl syndrome 20. Last evaluated: 2022-05-23. Review status: criteria provided, single submitter. Criteria: ACMG Guidelines, 2015. Collection method: clinical testing. Allele origin: unknown.

GeneDx
Classification: Likely benign. Last evaluated: 2021-11-11. Review status: criteria provided, single submitter. Criteria: GeneDx Variant Classification Process June 2021. Collection method: clinical testing. Allele origin: germline. Affected: yes.

PreventionGenetics, part of Exact Sciences
Classification: Likely benign for IFT172-related condition. Last evaluated: 2019-09-04. Review status: no assertion criteria provided. Collection method: clinical testing. Allele origin: germline. Not counted in ClinVar's aggregate classification.
Comment: This variant is classified as likely benign based on ACMG/AMP sequence variant interpretation guidelines (Richards et al. 2015 PMID: 25741868, with internal and published modifications).